The following is an entry in ClinVar:

NM_000533.5(PLP1):c.619T>A (p.Tyr207Asn)

Genes: PLP1 (proteolipid protein 1; plus strand), RAB9B (RAB9B, member RAS oncogene family; minus strand). Cytogenetic location: Xq22.2.
Variant type: single nucleotide variant.
Coding change: c.619T>A on transcript NM_000533.5 (MANE Select); coding-DNA position 619, T replaced by A.
Protein change: p.Tyr207Asn; replaces tyrosine 207 with asparagine.
Molecular consequence: missense variant.
Genome position (GRCh38, 1-based): chrX:103,787,963, T>A. VCF-style: chrX-103787963-T-A. GRCh37 (hg19) VCF-style: chrX-103042892-T-A.
Other names: c.619T>A, p.Tyr207Asn (NM_001128834.3); c.454T>A, p.Tyr152Asn (NM_001305004.1); c.514T>A, p.Tyr172Asn (NM_199478.3); short protein forms Y152N, Y172N, Y207N.
Identifiers: ClinVar variation 3255441 (VCV003255441.2), dbSNP rs2522315532.

ClinVar aggregate classification (germline): Likely pathogenic (1 of 4 stars; one submission).

Conditions:
Pelizaeus-Merzbacher disease. Also called: LEUKODYSTROPHY, HYPOMYELINATING, 1; Sudanophilic leukodystrophy; Pelizaeus-Merzbacher spectrum disorder; Pelizaeus-Merzbacher Disease (PMD); Pelizeaus-Merzbacher spectrum disorder. Identifiers: Orphanet 702, MedGen C0205711, MONDO:0010714, OMIM 312080, HP:0003269.

Submission:

Molecular Diagnostics Lab, Nemours Children's Health, Delaware
Classification: Likely pathogenic for Pelizaeus-Merzbacher disease. Last evaluated: 2021-12-21. Review status: criteria provided, single submitter. Criteria: ACMG Guidelines, 2015. Collection method: clinical testing. Allele origin: unknown. Inheritance: X-linked inheritance. Affected: yes. Observed: 1 hemizygote.
Comment: This missense variant (c.619T>A, p.Tyr207Asn) has not been observed in population databases (gnomAD). It has not been described in the literature. Variant prediction programs support a deleterious effect on the protein, although no functional studies have been published.